The following is an entry in ClinVar:

NM_018292.5(QRSL1):c.833G>A (p.Cys278Tyr)

Gene: QRSL1 (glutaminyl-tRNA amidotransferase subunit QRSL1; plus strand). Cytogenetic location: 6q21.
Variant type: single nucleotide variant.
Coding change: c.833G>A on transcript NM_018292.5 (MANE Select); coding-DNA position 833, G replaced by A.
Protein change: p.Cys278Tyr; replaces cysteine 278 with tyrosine.
Molecular consequence: missense variant.
Genome position (GRCh38, 1-based): chr6:106,652,566, G>A. VCF-style: chr6-106652566-G-A. GRCh37 (hg19) VCF-style: chr6-107100441-G-A.
Other names: short protein forms C278Y.
Identifiers: ClinVar variation 4839341 (VCV004839341.1).

ClinVar aggregate classification (germline): Uncertain significance (1 of 4 stars; one submission).

Conditions:
Inborn genetic diseases. Identifiers: MedGen C0950123, MeSH D030342.

gnomAD v4.1: 6 of 1,614,078 alleles (0.00037%); highest among the groups gnomAD compares: Non-Finnish European, 0.00051%; no homozygotes.

Submission:

Ambry Genetics
Classification: Uncertain significance for Inborn genetic diseases. Last evaluated: 2026-01-14. Review status: criteria provided, single submitter. Criteria: Ambry Variant Classification Scheme 2023. Collection method: clinical testing. Allele origin: germline.
Comment: The c.833G>A (p.C278Y) alteration is located in exon 7 (coding exon 7) of the QRSL1 gene. This alteration results from a G to A substitution at nucleotide position 833, causing the cysteine (C) at amino acid position 278 to be replaced by a tyrosine (Y). Based on data from gnomAD, the A allele has an overall frequency of 0.003% (1/31404) total alleles studied. The highest observed frequency was 0.007% (1/15430) of European (non-Finnish) alleles. Based on insufficient or conflicting evidence, the clinical significance of this alteration remains unclear.